The following is an entry in ClinVar:

NM_001377295.2(GNAT2):c.172C>T (p.Gln58Ter)

Gene: GNAT2 (G protein subunit alpha transducin 2; minus strand). Cytogenetic location: 1p13.3.
Variant type: single nucleotide variant.
Coding change: c.172C>T on transcript NM_001377295.2 (MANE Select); coding-DNA position 172, C replaced by T.
Protein change: p.Gln58Ter; replaces glutamine 58 with a stop codon.
Molecular consequence: nonsense.
Genome position (GRCh38, 1-based): chr1:109,610,171, G>A on the plus strand (C>T on the coding strand, the complement: GNAT2 is on the minus strand). VCF-style: chr1-109610171-G-A. GRCh37 (hg19) VCF-style: chr1-110152793-G-A.
Other names: c.172C>T, p.Gln58Ter (NM_001379232.1, NM_005272.5); short protein forms Q58*.
Identifiers: ClinVar variation 1953648 (VCV001953648.7), dbSNP rs1234568897, ClinGen allele CA341542567.

ClinVar aggregate classification (germline): Pathogenic/Likely pathogenic. Review status: criteria provided, multiple submitters, no conflicts (2 of 4 stars). 3 submissions from 3 submitters: Pathogenic (2); Likely pathogenic (1). Last evaluated 2024-04-22.

Conditions:
GNAT2-related disorder. Also called: GNAT2-related condition.
Retinal dystrophy. Also called: Inherited retinal dystrophy. Identifiers: Orphanet 71862, MedGen C0854723, MeSH D058499, MONDO:0019118, HP:0000556.

Allele frequency attached by ClinVar (database versions not stated): gnomAD exomes below 0.00001; TOPMed 0.00001.
gnomAD v4.1: 1 of 1,614,008 alleles (0.000062%); highest among the groups gnomAD compares: Non-Finnish European, 0.000085%; no homozygotes.

Submissions (3):

Labcorp Genetics (formerly Invitae), Labcorp
Classification: Pathogenic. Last evaluated: 2024-04-22. Review status: criteria provided, single submitter. Criteria: Invitae Variant Classification Sherloc (09022015). Collection method: clinical testing. Allele origin: germline.
Comment: This sequence change creates a premature translational stop signal (p.Gln58*) in the GNAT2 gene. It is expected to result in an absent or disrupted protein product. Loss-of-function variants in GNAT2 are known to be pathogenic (PMID: 12077706). This variant is present in population databases (no rsID available, gnomAD 0.006%). This variant has not been reported in the literature in individuals affected with GNAT2-related conditions. ClinVar contains an entry for this variant (Variation ID: 1953648). For these reasons, this variant has been classified as Pathogenic.

Blueprint Genetics
Classification: Likely pathogenic for GNAT2-related disorders. Last evaluated: 2021-08-13. Review status: criteria provided, single submitter. Criteria: ACMG Guidelines, 2015. Collection method: clinical testing. Allele origin: germline. Affected: yes. Observed: 2 variant alleles.

Institute of Human Genetics, Univ. Regensburg, Univ. Regensburg
Classification: Pathogenic for Retinal dystrophy. Last evaluated: 2021-01-01. Review status: criteria provided, single submitter. Criteria: ACMG Guidelines, 2015. Collection method: clinical testing. Allele origin: germline. Affected: yes.

Literature cited by the submitters: PubMed 12077706 (cited by Labcorp Genetics (formerly Invitae), Labcorp); PubMed 31964843 (cited by Institute of Human Genetics, Univ. Regensburg, Univ. Regensburg).